The following is an entry in ClinVar:

NM_014314.4(RIGI):c.1528G>A (p.Glu510Lys)

Gene: RIGI (RNA sensor RIG-I; minus strand). Cytogenetic location: 9p21.1.
Variant type: single nucleotide variant.
Coding change: c.1528G>A on transcript NM_014314.4 (MANE Select); coding-DNA position 1528, G replaced by A.
Protein change: p.Glu510Lys; replaces glutamic acid 510 with lysine.
Molecular consequence: missense variant.
Genome position (GRCh38, 1-based): chr9:32,481,450, C>T on the plus strand (G>A on the coding strand, the complement: RIGI is on the minus strand). VCF-style: chr9-32481450-C-T. GRCh37 (hg19) VCF-style: chr9-32481448-C-T.
Other names: c.1522G>A, p.Glu508Lys (NM_001385907.1); c.1528G>A, p.Glu510Lys (NM_001385909.1); c.1087G>A, p.Glu363Lys (NM_001385910.1); c.919G>A, p.Glu307Lys (NM_001385912.1); c.1513G>A, p.Glu505Lys (NM_001385913.1); c.1084G>A, p.Glu362Lys (NM_001385914.1); short protein forms E505K, E510K, E307K, E362K, E363K, E508K.
Identifiers: ClinVar variation 4741540 (VCV004741540.2).

ClinVar aggregate classification (germline): Uncertain significance. Review status: criteria provided, multiple submitters, no conflicts (2 of 4 stars). 2 submissions from 2 submitters: Uncertain significance (2). Last evaluated 2025-09-01.

Submissions (2):

Labcorp Genetics (formerly Invitae), Labcorp
Classification: Uncertain significance. Last evaluated: 2025-09-01. Review status: criteria provided, single submitter. Criteria: Invitae Variant Classification Sherloc (09022015). Collection method: clinical testing. Allele origin: germline.
Comment: This sequence change replaces glutamic acid, which is acidic and polar, with lysine, which is basic and polar, at codon 510 of the DDX58 protein (p.Glu510Lys). This variant is not present in population databases (gnomAD no frequency). This variant has not been reported in the literature in individuals affected with DDX58-related conditions. Invitae Evidence Modeling of protein sequence and biophysical properties (such as structural, functional, and spatial information, amino acid conservation, physicochemical variation, residue mobility, and thermodynamic stability) indicates that this missense variant is expected to disrupt DDX58 protein function with a positive predictive value of 80%. Algorithms developed to predict the effect of sequence changes on RNA splicing suggest that this variant may disrupt the consensus splice site. This variant disrupts the p.Glu510 amino acid residue in DDX58. Other variant(s) that disrupt this residue have been determined to be pathogenic (PMID: 33495304). This suggests that this residue is clinically significant, and that variants that disrupt this residue are likely to be disease-causing. In summary, the available evidence is currently insufficient to determine the role of this variant in disease. Therefore, it has been classified as a Variant of Uncertain Significance.

Blueprint Genetics
Classification: Uncertain significance. Last evaluated: 2023-05-23. Review status: criteria provided, single submitter. Criteria: ACMG Guidelines, 2015. Collection method: clinical testing. Allele origin: germline.

Literature cited by the submitters: PubMed 33495304 (cited by Labcorp Genetics (formerly Invitae), Labcorp).